The following is an entry in ClinVar:

ClinVar aggregate classification (germline): Uncertain significance (1 of 4 stars; one submission).

Allele frequency attached by ClinVar (database versions not stated): gnomAD exomes below 0.00001; gnomAD 0.00001; TOPMed 0.00002.

Submission:

Labcorp Genetics (formerly Invitae), Labcorp
Classification: Uncertain significance. Last evaluated: 2024-11-18. Review status: criteria provided, single submitter. Criteria: Invitae Variant Classification Sherloc (09022015). Collection method: clinical testing. Allele origin: germline.
Comment: This sequence change replaces alanine, which is neutral and non-polar, with threonine, which is neutral and polar, at codon 65 of the GFER protein (p.Ala65Thr). The frequency data for this variant in the population databases is considered unreliable, as metrics indicate poor data quality at this position in the gnomAD database. This variant has not been reported in the literature in individuals affected with GFER-related conditions. ClinVar contains an entry for this variant (Variation ID: 2022947). An algorithm developed to predict the effect of missense changes on protein structure and function outputs the following: PolyPhen-2: "Benign". The threonine amino acid residue is found in multiple mammalian species, which suggests that this missense change does not adversely affect protein function. In summary, the available evidence is currently insufficient to determine the role of this variant in disease. Therefore, it has been classified as a Variant of Uncertain Significance.

NM_005262.3(GFER):c.193G>A (p.Ala65Thr)

Genes: GFER (growth factor, augmenter of liver regeneration; plus strand), LOC130058203 (ATAC-STARR-seq lymphoblastoid silent region 7014; plus strand). Cytogenetic location: 16p13.3.
Variant type: single nucleotide variant.
Coding change: c.193G>A on transcript NM_005262.3 (MANE Select); coding-DNA position 193, G replaced by A.
Protein change: p.Ala65Thr; replaces alanine 65 with threonine.
Molecular consequence: missense variant.
Genome position (GRCh38, 1-based): chr16:1,984,411, G>A. VCF-style: chr16-1984411-G-A. GRCh37 (hg19) VCF-style: chr16-2034412-G-A.
Other names: short protein forms A65T.
Identifiers: ClinVar variation 2022947 (VCV002022947.3), dbSNP rs901752142, ClinGen allele CA276772990.